The following is an entry in ClinVar:

ClinVar aggregate classification (germline): Likely pathogenic (1 of 4 stars; one submission).

Conditions:
Pigmentary pallidal degeneration (NBIA1). Also called: Neuroaxonal dystrophy, late infantile; Hallervorden-Spatz disease; HARP SYNDROME; PKAN NEUROAXONAL DYSTROPHY, JUVENILE-ONSET; Pantothenate Kinase-Associated Neurodegeneration; Neurodegeneration with brain iron accumulation 1. Identifiers: Orphanet 157850, MedGen C0018523, MONDO:0009319, OMIM 234200.

Allele frequency attached by ClinVar (database versions not stated): gnomAD 0.00001.
gnomAD v4.1: 1 of 1,613,952 alleles (0.000062%); highest among the groups gnomAD compares: Non-Finnish European, 0.000085%; no homozygotes.

Submission:

Labcorp Genetics (formerly Invitae), Labcorp
Classification: Likely pathogenic for Pigmentary pallidal degeneration. Last evaluated: 2023-06-29. Review status: criteria provided, single submitter. Criteria: Invitae Variant Classification Sherloc (09022015). Collection method: clinical testing. Allele origin: germline.
Comment: This sequence change replaces aspartic acid, which is acidic and polar, with valine, which is neutral and non-polar, at codon 452 of the PANK2 protein (p.Asp452Val). This variant is not present in population databases (gnomAD no frequency). This variant has not been reported in the literature in individuals affected with PANK2-related conditions. Advanced modeling of protein sequence and biophysical properties (such as structural, functional, and spatial information, amino acid conservation, physicochemical variation, residue mobility, and thermodynamic stability) performed at Invitae indicates that this missense variant is expected to disrupt PANK2 protein function. This variant disrupts the p.Asp452 amino acid residue in PANK2. Other variant(s) that disrupt this residue have been determined to be pathogenic (PMID: 19224615, 28881514). This suggests that this residue is clinically significant, and that variants that disrupt this residue are likely to be disease-causing. In summary, the currently available evidence indicates that the variant is pathogenic, but additional data are needed to prove that conclusively. Therefore, this variant has been classified as Likely Pathogenic.

Literature cited by the submitters: PubMed 19224615; PubMed 28881514.

NM_001386393.1(PANK2):c.1025A>T (p.Asp342Val)

Gene: PANK2 (pantothenate kinase 2; plus strand). Cytogenetic location: 20p13.
Variant type: single nucleotide variant.
Coding change: c.1025A>T on transcript NM_001386393.1 (MANE Select); coding-DNA position 1025, A replaced by T.
Protein change: p.Asp342Val; replaces aspartic acid 342 with valine.
Molecular consequence: missense variant. On other transcripts: non-coding transcript variant (1).
Genome position (GRCh38, 1-based): chr20:3,912,577, A>T. VCF-style: chr20-3912577-A-T. GRCh37 (hg19) VCF-style: chr20-3893224-A-T.
Other names: c.482A>T, p.Asp161Val (NM_001324191.2, NM_024960.6, NM_153640.4); c.47A>T, p.Asp16Val (NM_001324193.2); c.1355A>T, p.Asp452Val (NM_153638.4); short protein forms D16V, D452V, D161V, D342V.
Identifiers: ClinVar variation 3001570 (VCV003001570.3), dbSNP rs763496520, ClinGen allele CA408117743.